The following is an entry in ClinVar:

NM_004371.4(COPA):c.2375C>G (p.Ala792Gly)

Gene: COPA (coat protein complex I subunit alpha; minus strand). Cytogenetic location: 1q23.2.
Variant type: single nucleotide variant.
Coding change: c.2375C>G on transcript NM_004371.4 (MANE Select); coding-DNA position 2375, C replaced by G.
Protein change: p.Ala792Gly; replaces alanine 792 with glycine.
Molecular consequence: missense variant.
Genome position (GRCh38, 1-based): chr1:160,295,837, G>C on the plus strand (C>G on the coding strand, the complement: COPA is on the minus strand). VCF-style: chr1-160295837-G-C. GRCh37 (hg19) VCF-style: chr1-160265627-G-C.
Other names: c.2402C>G, p.Ala801Gly (NM_001098398.2); short protein forms A792G, A801G.
Identifiers: ClinVar variation 4744779 (VCV004744779.1).
Genomic context (GRCh38, chr1:160,295,837, plus strand): 5'-GTCAATAAAGGCCAATTGGTATCCAATGGCATGATAGGTGCAGGTGGCTGGAGCAGCTTG[G>C]CATTAGGGTCAATGTCTGGGATCTGAATAGTAGAAGAAAAGAGGCTAAAAACAAATAGCA-3'
Protein context (NP_004362.2, residues 782-802): KETIPDIDPN[Ala792Gly]KLLQPPAPIM

ClinVar aggregate classification (germline): Uncertain significance (1 of 4 stars; one submission).

Conditions:
Autoimmune interstitial lung disease-arthritis syndrome. Also called: Autoinflammation and autoimmunity, systemic, with immune dysregulation. Identifiers: Orphanet 444092, MedGen C5975714, MONDO:0014629.

gnomAD v4.1: 8 of 1,611,592 alleles (0.0005%); highest among the groups gnomAD compares: African/African-American, 0.0013%; no homozygotes.

Submission:

Labcorp Genetics (formerly Invitae), Labcorp
Classification: Uncertain significance for Autoimmune interstitial lung disease-arthritis syndrome. Last evaluated: 2025-10-29. Review status: criteria provided, single submitter. Criteria: Invitae Variant Classification Sherloc (09022015). Collection method: clinical testing. Allele origin: germline.
Comment: This sequence change replaces alanine, which is neutral and non-polar, with glycine, which is neutral and non-polar, at codon 792 of the COPA protein (p.Ala792Gly). This variant is not present in population databases (gnomAD no frequency). This variant has not been reported in the literature in individuals affected with COPA-related conditions. Invitae Evidence Modeling of protein sequence and biophysical properties (such as structural, functional, and spatial information, amino acid conservation, physicochemical variation, residue mobility, and thermodynamic stability) indicates that this missense variant is not expected to disrupt COPA protein function with a negative predictive value of 80%. In summary, the available evidence is currently insufficient to determine the role of this variant in disease. Therefore, it has been classified as a Variant of Uncertain Significance.